The following is an entry in ClinVar:

NM_000138.5(FBN1):c.5659del (p.Thr1887fs)

Gene: FBN1 (fibrillin 1; minus strand). Cytogenetic location: 15q21.1.
Variant type: Deletion.
Coding change: c.5659del on transcript NM_000138.5 (MANE Select); coding-DNA position 5659, one base deleted (A; older notation c.5659delA).
Protein change: p.Thr1887fs; shifts the reading frame from threonine 1887.
Molecular consequence: frameshift variant.
Genome position (GRCh38, 1-based): chr15:48,448,780, T deleted on the plus strand (A on the coding strand, the reverse complement: FBN1 is on the minus strand); the first of 3 consecutive T bases (chr15:48,448,780-48,448,782); deleting any one gives the same sequence. VCF-style (leftmost placement, unchanged base first): chr15-48448779-GT-G. GRCh37 (hg19) VCF-style: chr15-48740976-GT-G.
Other names: c.5659del, p.Thr1887fs (NM_001406716.1); short protein forms T1887fs.
Identifiers: ClinVar variation 3756580 (VCV003756580.2).

ClinVar aggregate classification (germline): Pathogenic (1 of 4 stars; one submission).

Conditions:
Marfan syndrome (MFS). Also called: MARFAN SYNDROME, TYPE I; Marfan syndrome type 1; Marfan's syndrome; Marfan syndrome, classic; FBN1-Related Marfan Syndrome. Identifiers: Orphanet 284963, Orphanet 558, MedGen C0024796, MONDO:0007947, OMIM 154700.
Familial thoracic aortic aneurysm and aortic dissection (TAAD). Also called: Thoracic aortic aneurysms and dissections. Identifiers: Orphanet 91387, MedGen C4707243, MONDO:0019625.

Submission:

Labcorp Genetics (formerly Invitae), Labcorp
Classification: Pathogenic for Marfan syndrome; Familial thoracic aortic aneurysm and aortic dissection. Last evaluated: 2024-05-28. Review status: criteria provided, single submitter. Criteria: Invitae Variant Classification Sherloc (09022015). Collection method: clinical testing. Allele origin: germline.
Comment: This sequence change creates a premature translational stop signal (p.Thr1887Profs*6) in the FBN1 gene. It is expected to result in an absent or disrupted protein product. Loss-of-function variants in FBN1 are known to be pathogenic (PMID: 17657824, 19293843). This variant is not present in population databases (gnomAD no frequency). This variant has not been reported in the literature in individuals affected with FBN1-related conditions. For these reasons, this variant has been classified as Pathogenic.

Literature cited by the submitters: PubMed 17657824; PubMed 19293843.